The following is an entry in ClinVar:

NM_000141.5(FGFR2):c.2422T>C (p.Cys808Arg)

Gene: FGFR2 (fibroblast growth factor receptor 2; minus strand). Cytogenetic location: 10q26.13.
Variant type: single nucleotide variant.
Coding change: c.2422T>C on transcript NM_000141.5 (MANE Select); coding-DNA position 2422, T replaced by C.
Protein change: p.Cys808Arg; replaces cysteine 808 with arginine.
Molecular consequence: missense variant. On other transcripts: non-coding transcript variant (1), intron variant (1).
Genome position (GRCh38, 1-based): chr10:121,479,901, A>G on the plus strand (T>C on the coding strand, the complement: FGFR2 is on the minus strand). VCF-style: chr10-121479901-A-G. GRCh37 (hg19) VCF-style: chr10-123239415-A-G.
Other names: c.2086T>C, p.Cys696Arg (NM_001144914.1); c.2077T>C, p.Cys693Arg (NM_001144916.2); c.2074T>C, p.Cys692Arg (NM_001144917.2); c.2071T>C, p.Cys691Arg (NM_001144918.2); c.1738T>C, p.Cys580Arg (NM_001320654.2); c.2416T>C, p.Cys806Arg (NM_001320658.2); c.2425T>C, p.Cys809Arg (NM_022970.4); c.2155T>C, p.Cys719Arg (NM_023029.3); and 1 more; short protein forms C580R, C691R, C692R, C693R, C696R, C719R, C806R, C808R.
Identifiers: ClinVar variation 3360340 (VCV003360340.1).

ClinVar aggregate classification (germline): Uncertain significance (1 of 4 stars; one submission).

Submission:

GeneDx
Classification: Uncertain significance. Last evaluated: 2023-06-26. Review status: criteria provided, single submitter. Criteria: GeneDx Variant Classification Process June 2021. Collection method: clinical testing. Allele origin: germline. Affected: yes.
Comment: Not observed at significant frequency in large population cohorts (gnomAD); In silico analysis supports that this missense variant has a deleterious effect on protein structure/function; Has not been previously published as pathogenic or benign to our knowledge